The following is an entry in ClinVar:

ClinVar aggregate classification (germline): Uncertain significance (1 of 4 stars; one submission).

Submission:

GeneDx
Classification: Uncertain significance. Last evaluated: 2023-02-07. Review status: criteria provided, single submitter. Criteria: GeneDx Variant Classification Process June 2021. Collection method: clinical testing. Allele origin: germline. Affected: yes.
Comment: Not observed at significant frequency in large population cohorts (gnomAD); In silico analysis supports that this missense variant does not alter protein structure/function; Has not been previously published as pathogenic or benign to our knowledge

NM_014629.4(ARHGEF10):c.1147T>A (p.Leu383Met)

Gene: ARHGEF10 (Rho guanine nucleotide exchange factor 10; plus strand). Cytogenetic location: 8p23.3.
Variant type: single nucleotide variant.
Coding change: c.1147T>A on transcript NM_014629.4 (MANE Select); coding-DNA position 1147, T replaced by A.
Protein change: p.Leu383Met; replaces leucine 383 with methionine.
Molecular consequence: missense variant.
Genome position (GRCh38, 1-based): chr8:1,885,672, T>A. VCF-style: chr8-1885672-T-A. GRCh37 (hg19) VCF-style: chr8-1833838-T-A.
Other names: c.1033T>A, p.Leu345Met (NM_001308152.2); c.1150T>A, p.Leu384Met (NM_001308153.3); short protein forms L345M, L383M, L408M, L384M.
Identifiers: ClinVar variation 2574975 (VCV002574975.1), dbSNP rs1808597417, ClinGen allele CA369957749.
Genomic context (GRCh38, chr8:1,885,672, plus strand): 5'-TCTCTTGAGGAAGAACAGAATTTGTTCATTGATGTTGACTGCAAGCACCCGGAAGCCATC[T>A]TGACCCCGATGCCCGAGGGTTTATCTCAGCAGCAGGTGAGATGAGCAGAGCTGACAGGGG-3'
Protein context (NP_055444.2, residues 373-393): DVDCKHPEAI[Leu383Met]TPMPEGLSQQ